The following is an entry in ClinVar:

NM_001127222.2(CACNA1A):c.1345+1G>A

Gene: CACNA1A (calcium voltage-gated channel subunit alpha1 A; minus strand). Cytogenetic location: 19p13.13.
Variant type: single nucleotide variant.
Coding change: c.1345+1G>A on transcript NM_001127222.2 (MANE Select); the canonical splice donor site of the intron after coding-DNA position 1345, G replaced by A.
Molecular consequence: splice donor variant.
Genome position (GRCh38, 1-based): chr19:13,330,243, C>T on the plus strand (G>A on the coding strand, the complement: CACNA1A is on the minus strand). VCF-style: chr19-13330243-C-T. GRCh37 (hg19) VCF-style: chr19-13441057-C-T.
Other names: c.1348+1G>A (NM_001127221.2, NM_001174080.2, NM_000068.4 and 1 more transcripts).
Identifiers: ClinVar variation 1512672 (VCV001512672.8), dbSNP rs2145114772, ClinGen allele CA404346026.

ClinVar aggregate classification (germline): Likely pathogenic (1 of 4 stars; one submission).

Conditions:
Episodic ataxia type 2 (EA2). Also called: ATAXIA, EPISODIC, WITH NYSTAGMUS; ATAXIA, FAMILIAL PAROXYSMAL; CEREBELLAR ATAXIA, PAROXYSMAL, ACETAZOLAMIDE-RESPONSIVE; CEREBELLOPATHY, HEREDITARY PAROXYSMAL; ACETAZOLAMIDE-RESPONSIVE HEREDITARY PAROXYSMAL CEREBELLAR ATAXIA; EPISODIC ATAXIA, NYSTAGMUS-ASSOCIATED. Identifiers: Orphanet 97, MedGen C1720416, MONDO:0007163, OMIM 108500.
Developmental and epileptic encephalopathy, 42 (DEE42A). Also called: DEVELOPMENTAL AND EPILEPTIC ENCEPHALOPATHY 42A; EPILEPTIC ENCEPHALOPATHY, EARLY INFANTILE, 42A; Epileptic encephalopathy, early infantile, 42. Identifiers: MedGen C4310716, MONDO:0014917, OMIM 617106.

Allele frequency attached by ClinVar (database versions not stated): gnomAD exomes below 0.00001.
gnomAD v4.1: 1 of 1,551,570 alleles (0.000064%); highest among the groups gnomAD compares: Non-Finnish European, 0.000087%; no homozygotes.

Submission:

Labcorp Genetics (formerly Invitae), Labcorp
Classification: Likely pathogenic for Developmental and epileptic encephalopathy, 42; Episodic ataxia type 2. Last evaluated: 2021-04-16. Review status: criteria provided, single submitter. Criteria: Invitae Variant Classification Sherloc (09022015). Collection method: clinical testing. Allele origin: germline.
Comment: This sequence change affects a donor splice site in intron 10 of the CACNA1A gene. It is expected to disrupt RNA splicing. Variants that disrupt the donor or acceptor splice site typically lead to a loss of protein function (PMID: 16199547), and loss-of-function variants in CACNA1A are known to be pathogenic (PMID: 10371528, 19486177, 25735478, 27250579). This variant is not present in population databases (ExAC no frequency). This variant has been observed in individual(s) with clinical features of CACNA1A-related conditions (Invitae). Algorithms developed to predict the effect of sequence changes on RNA splicing suggest that this variant may disrupt the consensus splice site, but this prediction has not been confirmed by published transcriptional studies. In summary, the currently available evidence indicates that the variant is pathogenic, but additional data are needed to prove that conclusively. Therefore, this variant has been classified as Likely Pathogenic.

Literature cited by the submitters: PubMed 16199547; PubMed 10371528; PubMed 19486177; PubMed 25735478; PubMed 27250579.